The following is an entry in ClinVar:

ClinVar aggregate classification (germline): Uncertain significance (1 of 4 stars; one submission).

Submission:

Ambry Genetics
Classification: Uncertain significance. Last evaluated: 2025-07-03. Review status: criteria provided, single submitter. Criteria: Ambry Variant Classification Scheme 2023. Collection method: clinical testing. Allele origin: germline.
Comment: The c.503+3G>A intronic variant results from a G to A substitution 3 nucleotides after coding exon 1 in the PALLD gene. This nucleotide position is poorly conserved in available vertebrate species. In silico splice site analysis for this alteration is inconclusive. The evidence for this gene-disease relationship is limited; therefore, the clinical significance of this alteration is unclear.

NM_001166108.2(PALLD):c.1965-12525G>A

Gene: PALLD (palladin, cytoskeletal associated protein; plus strand). Cytogenetic location: 4q32.3.
Variant type: single nucleotide variant.
Coding change: c.1965-12525G>A on transcript NM_001166108.2 (MANE Select); 12525 bases into the intron before coding-DNA position 1965, G replaced by A.
Molecular consequence: intron variant.
Genome position (GRCh38, 1-based): chr4:168,878,397, G>A. VCF-style: chr4-168878397-G-A. GRCh37 (hg19) VCF-style: chr4-169799548-G-A.
Other names: c.1965-12525G>A (NM_016081.4); c.819-12525G>A (NM_001166109.2); c.503+3G>A (NM_001166110.2); c.-157-12525G>A (NM_001367570.1, NM_001367568.1, NM_001367567.1 and 1 more transcripts).
Identifiers: ClinVar variation 4130387 (VCV004130387.1).